The following is an entry in ClinVar:

ClinVar aggregate classification (germline): Likely pathogenic (1 of 4 stars; one submission).

Conditions:
Meckel syndrome, type 11 (MKS11). Identifiers: Orphanet 564, MedGen C3809352, MONDO:0014164, OMIM 615397.
Joubert syndrome 20 (JBTS20). Identifiers: Orphanet 475, MedGen C3554235, MONDO:0013994, OMIM 614970.

Submission:

Juno Genomics, Hangzhou Juno Genomics, Inc
Classification: Likely pathogenic for Joubert syndrome 20; Meckel syndrome, type 11. Review status: criteria provided, single submitter. Criteria: ACMG Guidelines, 2015. Collection method: clinical testing. Allele origin: germline.
Comment: Null variant in a gene where loss of function (LOF) is a known mechanism of disease.;Absent from controls (or at extremely low frequency if recessive) in Genome Aggregation Database.

NM_001077418.3(TMEM231):c.139_140insT (p.Gly47fs)

Gene: TMEM231 (transmembrane protein 231; minus strand). Cytogenetic location: 16q23.1.
Variant type: Insertion.
Coding change: c.139_140insT on transcript NM_001077418.3 (MANE Select); coding-DNA positions 139 to 140, T inserted.
Protein change: p.Gly47fs; shifts the reading frame from glycine 47.
Molecular consequence: frameshift variant. On other transcripts: non-coding transcript variant (1).
Genome position: GRCh38 VCF-style: chr16-75556070-C-CA. GRCh37 (hg19) VCF-style: chr16-75589968-C-CA.
Other names: c.201_202insT, p.Val68fs (NM_001077416.2); c.139_139+1insT (NM_001077418.3); short protein forms G47fs, V68fs.
Identifiers: ClinVar variation 5005639 (VCV005005639.2).